The following is an entry in ClinVar:

ClinVar aggregate classification (germline): Pathogenic (1 of 4 stars; one submission).

Conditions:
Hereditary cancer-predisposing syndrome. Also called: Neoplastic Syndromes, Hereditary; Tumor predisposition; Hereditary neoplastic syndrome; Hereditary Cancer Syndrome. Identifiers: Orphanet 140162, MedGen C0027672, MeSH D009386, MONDO:0015356.

Submission:

Ambry Genetics
Classification: Pathogenic for Hereditary cancer-predisposing syndrome. Last evaluated: 2026-06-17. Review status: criteria provided, single submitter. Criteria: Ambry Variant Classification Scheme 2023. Collection method: clinical testing. Allele origin: germline.
Comment: The c.2609delA pathogenic mutation, located in coding exon 16 of the ATM gene, results from a deletion of one nucleotide at nucleotide position 2609, causing a translational frameshift with a predicted alternate stop codon (p.N870Tfs*10). This variant is considered to be rare based on population cohorts in the Genome Aggregation Database (gnomAD). This variant is expected to result in loss of function by premature protein truncation or nonsense-mediated mRNA decay. As such, this variant is interpreted as a disease-causing mutation.

NM_000051.4(ATM):c.2609del (p.Asn870fs)

Gene: ATM (ATM serine/threonine kinase; plus strand). Cytogenetic location: 11q22.3.
Variant type: Deletion.
Coding change: c.2609del on transcript NM_000051.4 (MANE Select); coding-DNA position 2609, one base deleted (A; older notation c.2609delA).
Protein change: p.Asn870fs; shifts the reading frame from asparagine 870.
Molecular consequence: frameshift variant.
Genome position (GRCh38, 1-based): chr11:108,267,313, A deleted; the last of 3 consecutive A bases (chr11:108,267,311-108,267,313); deleting any one gives the same sequence. VCF-style (leftmost placement, unchanged base first): chr11-108267310-CA-C. GRCh37 (hg19) VCF-style: chr11-108138037-CA-C.
Other names: c.2609del, p.Asn870fs (NM_001351834.2); short protein forms N870fs.
Identifiers: ClinVar variation 5031217 (VCV005031217.1).